The following is an entry in ClinVar:

ClinVar aggregate classification (germline): Pathogenic (1 of 4 stars; one submission).

Conditions:
Bethlem myopathy 1A. Also called: MYOPATHY, BENIGN CONGENITAL, WITH CONTRACTURES; Bethlem Muscular Dystrophy; Bethlem myopathy 1. Identifiers: Orphanet 610, MedGen CN029274, MONDO:0024530, OMIM 158810.

Allele frequency attached by ClinVar (database versions not stated): TOPMed below 0.00001; gnomAD exomes 0.00001.

Submission:

Labcorp Genetics (formerly Invitae), Labcorp
Classification: Pathogenic for Bethlem myopathy 1A. Last evaluated: 2022-09-07. Review status: criteria provided, single submitter. Criteria: Invitae Variant Classification Sherloc (09022015). Collection method: clinical testing. Allele origin: germline.
Comment: This variant is present in population databases (no rsID available, gnomAD 0.0009%). This sequence change creates a premature translational stop signal (p.Phe61*) in the COL6A3 gene. It is expected to result in an absent or disrupted protein product. Loss-of-function variants in COL6A3 are known to be pathogenic (PMID: 26004199). This variant has not been reported in the literature in individuals affected with COL6A3-related conditions. For these reasons, this variant has been classified as Pathogenic. Algorithms developed to predict the effect of sequence changes on RNA splicing suggest that this variant may disrupt the consensus splice site.

Literature cited by the submitters: PubMed 26004199.

NM_004369.4(COL6A3):c.181_182insAG (p.Phe61Ter)

Gene: COL6A3 (collagen type VI alpha 3 chain; minus strand). Cytogenetic location: 2q37.3.
Variant type: Insertion.
Coding change: c.181_182insAG on transcript NM_004369.4 (MANE Select); coding-DNA positions 181 to 182, AG inserted.
Protein change: p.Phe61Ter; replaces phenylalanine 61 with a stop codon.
Molecular consequence: nonsense. On other transcripts: intron variant (4).
Genome position: GRCh38 VCF-style: chr2-237395114-A-ACT. GRCh37 (hg19) VCF-style: chr2-238303757-A-ACT.
Other names: c.91+1612_91+1613insAG (NM_057166.5, NM_057167.4, NM_057164.5 and 1 more transcripts); short protein forms F61*.
Identifiers: ClinVar variation 2063517 (VCV002063517.4), dbSNP rs1559280064, ClinGen allele CA540749888.
Genomic context (GRCh38, chr2:237,395,114, plus strand): 5'-ACCAGAGCAAAATGGAAATCATTTTCTCCCACAGCTAAGGATTTTACAACATCATATAGA[A>ACT]ACTCTCGAACAAGTTGGAAATGTTCCTCTCCAATGGTCCAAGAGGAATCCACTAGAAATA-3'